The following is an entry in ClinVar:

NM_001199138.2(NLRC4):c.2951T>C (p.Val984Ala)

Gene: NLRC4 (NLR family CARD domain containing 4; minus strand). Cytogenetic location: 2p22.3.
Variant type: single nucleotide variant.
Coding change: c.2951T>C on transcript NM_001199138.2 (MANE Select); coding-DNA position 2951, T replaced by C.
Protein change: p.Val984Ala; replaces valine 984 with alanine.
Molecular consequence: missense variant.
Genome position (GRCh38, 1-based): chr2:32,224,597, A>G on the plus strand (T>C on the coding strand, the complement: NLRC4 is on the minus strand). VCF-style: chr2-32224597-A-G. GRCh37 (hg19) VCF-style: chr2-32449666-A-G.
Other names: c.2951T>C, p.Val984Ala (NM_001199139.2, NM_021209.5); c.956T>C, p.Val319Ala (NM_001302504.2); short protein forms V319A, V984A.
Identifiers: ClinVar variation 652044 (VCV000652044.8), dbSNP rs1573460915, ClinGen allele CA346519256.

ClinVar aggregate classification (germline): Uncertain significance (1 of 4 stars; one submission).

Conditions:
Periodic fever-infantile enterocolitis-autoinflammatory syndrome. Also called: Autoinflammation with infantile enterocolitis. Identifiers: Orphanet 436166, MedGen C4015067, MONDO:0014472, OMIM 616050.
Familial cold autoinflammatory syndrome 4 (FCAS4). Identifiers: Orphanet 47045, Orphanet 576349, MedGen C4015276, MONDO:0014498, OMIM 616115.

Allele frequency attached by ClinVar (database versions not stated): gnomAD exomes 0.00001.
gnomAD v4.1: 10 of 1,613,940 alleles (0.00062%); highest among the groups gnomAD compares: Non-Finnish European, 0.00085%; no homozygotes.

Submission:

Labcorp Genetics (formerly Invitae), Labcorp
Classification: Uncertain significance for Periodic fever-infantile enterocolitis-autoinflammatory syndrome; Familial cold autoinflammatory syndrome 4. Last evaluated: 2018-08-26. Review status: criteria provided, single submitter. Criteria: Invitae Variant Classification Sherloc (09022015). Collection method: clinical testing. Allele origin: germline.
Comment: In summary, the available evidence is currently insufficient to determine the role of this variant in disease. Therefore, it has been classified as a Variant of Uncertain Significance. Algorithms developed to predict the effect of missense changes on protein structure and function output the following: SIFT: "Deleterious"; PolyPhen-2: "Possibly Damaging"; Align-GVGD: "Class C0". The alanine amino acid residue is found in multiple mammalian species, suggesting that this missense change does not adversely affect protein function. These predictions have not been confirmed by published functional studies and their clinical significance is uncertain. This variant has not been reported in the literature in individuals with NLRC4-related disease. This variant is not present in population databases (ExAC no frequency). This sequence change replaces valine with alanine at codon 984 of the NLRC4 protein (p.Val984Ala). The valine residue is highly conserved and there is a small physicochemical difference between valine and alanine.